The following is an entry in ClinVar:

NM_001363711.2(DUOX2):c.65C>T (p.Pro22Leu)

Gene: DUOX2 (dual oxidase 2; minus strand). Cytogenetic location: 15q21.1.
Variant type: single nucleotide variant.
Coding change: c.65C>T on transcript NM_001363711.2 (MANE Select); coding-DNA position 65, C replaced by T.
Protein change: p.Pro22Leu; replaces proline 22 with leucine.
Molecular consequence: missense variant.
Genome position (GRCh38, 1-based): chr15:45,113,347, G>A on the plus strand (C>T on the coding strand, the complement: DUOX2 is on the minus strand). VCF-style: chr15-45113347-G-A. GRCh37 (hg19) VCF-style: chr15-45405545-G-A.
Other names: c.65C>T, p.Pro22Leu (NM_014080.5); short protein forms P22L.
Identifiers: ClinVar variation 4806804 (VCV004806804.1).
Genomic context (GRCh38, chr15:45,113,347, plus strand): 5'-CCACCTCCCAGGGATCCTGGGGAACACCCCGCCGCTAGAGGAGCCTGATACTTGCCCGAT[G>A]GACCCAGGGATCCAGTCAGAAGAGCTCCCAGGAGCATCAGTGCCTCTGGTCTTGCACGGA-3'
Protein context (NP_001350640.1, residues 12-32): LGALLTGSLG[Pro22Leu]SGSQDALSLP

ClinVar aggregate classification (germline): Uncertain significance (1 of 4 stars; one submission).

gnomAD v4.1: 4 of 1,561,832 alleles (0.00026%); highest among the groups gnomAD compares: Non-Finnish European, 0.00035%; no homozygotes.

Submission:

Labcorp Genetics (formerly Invitae), Labcorp
Classification: Uncertain significance. Last evaluated: 2025-12-24. Review status: criteria provided, single submitter. Criteria: Invitae Variant Classification Sherloc (09022015). Collection method: clinical testing. Allele origin: germline.
Comment: This sequence change replaces proline, which is neutral and non-polar, with leucine, which is neutral and non-polar, at codon 22 of the DUOX2 protein (p.Pro22Leu). This variant is not present in population databases (gnomAD no frequency). This variant has not been reported in the literature in individuals affected with DUOX2-related conditions. Invitae Evidence Modeling of protein sequence and biophysical properties (such as structural, functional, and spatial information, amino acid conservation, physicochemical variation, residue mobility, and thermodynamic stability) indicates that this missense variant is not expected to disrupt DUOX2 protein function with a negative predictive value of 95%. In summary, the available evidence is currently insufficient to determine the role of this variant in disease. Therefore, it has been classified as a Variant of Uncertain Significance.